The following is an entry in ClinVar:

NM_000368.5(TSC1):c.2753A>G (p.Lys918Arg)

Gene: TSC1 (TSC complex subunit 1; minus strand). Cytogenetic location: 9q34.13.
Variant type: single nucleotide variant.
Coding change: c.2753A>G on transcript NM_000368.5 (MANE Select); coding-DNA position 2753, A replaced by G.
Protein change: p.Lys918Arg; replaces lysine 918 with arginine.
Molecular consequence: missense variant.
Genome position (GRCh38, 1-based): chr9:132,897,483, T>C on the plus strand (A>G on the coding strand, the complement: TSC1 is on the minus strand). VCF-style: chr9-132897483-T-C. GRCh37 (hg19) VCF-style: chr9-135772870-T-C.
Other names: c.2750A>G, p.Lys917Arg (NM_001162426.2); c.2600A>G, p.Lys867Arg (NM_001162427.2); c.2390A>G, p.Lys797Arg (NM_001362177.2); short protein forms K917R, K918R, K867R, K797R.
Identifiers: ClinVar variation 845014 (VCV000845014.10), dbSNP rs757025842, ClinGen allele CA034537.

ClinVar aggregate classification (germline): Uncertain significance. Review status: criteria provided, multiple submitters, no conflicts (2 of 4 stars). 2 submissions from 2 submitters: Uncertain significance (2). Last evaluated 2024-05-11.

Conditions:
Tuberous sclerosis 1 (TSC1). Identifiers: Orphanet 805, MedGen C1854465, MONDO:0008612, OMIM 191100.
Hereditary cancer-predisposing syndrome. Also called: Neoplastic Syndromes, Hereditary; Hereditary neoplastic syndrome; Tumor predisposition; Hereditary Cancer Syndrome. Identifiers: Orphanet 140162, MedGen C0027672, MeSH D009386, MONDO:0015356.

Allele frequency attached by ClinVar (database versions not stated): gnomAD exomes below 0.00001; TOPMed below 0.00001; ExAC 0.00001.
gnomAD v4.1: 1 of 1,614,202 alleles (0.000062%); highest among the groups gnomAD compares: Non-Finnish European, 0.000085%; no homozygotes.

Submissions (2):

Ambry Genetics
Classification: Uncertain significance for Hereditary cancer-predisposing syndrome. Last evaluated: 2024-05-11. Review status: criteria provided, single submitter. Criteria: Ambry Variant Classification Scheme 2023. Collection method: clinical testing. Allele origin: germline.
Comment: The p.K918R variant (also known as c.2753A>G), located in coding exon 19 of the TSC1 gene, results from an A to G substitution at nucleotide position 2753. The lysine at codon 918 is replaced by arginine, an amino acid with highly similar properties. This amino acid position is conserved. In addition, the in silico prediction for this alteration is inconclusive. Based on the available evidence, the clinical significance of this variant remains unclear.

Labcorp Genetics (formerly Invitae), Labcorp
Classification: Uncertain significance for Tuberous sclerosis 1. Last evaluated: 2019-11-30. Review status: criteria provided, single submitter. Criteria: Invitae Variant Classification Sherloc (09022015). Collection method: clinical testing. Allele origin: germline.
Comment: In summary, the available evidence is currently insufficient to determine the role of this variant in disease. Therefore, it has been classified as a Variant of Uncertain Significance. Algorithms developed to predict the effect of sequence changes on RNA splicing suggest that this variant may create or strengthen a splice site, but this prediction has not been confirmed by published transcriptional studies. Algorithms developed to predict the effect of missense changes on protein structure and function (SIFT, PolyPhen-2, Align-GVGD) all suggest that this variant is likely to be tolerated, but these predictions have not been confirmed by published functional studies and their clinical significance is uncertain. This variant has not been reported in the literature in individuals with TSC1-related conditions. This variant is present in population databases (rs757025842, ExAC 0.001%). This sequence change replaces lysine with arginine at codon 918 of the TSC1 protein (p.Lys918Arg). The lysine residue is moderately conserved and there is a small physicochemical difference between lysine and arginine.